The following is an entry in ClinVar:

ClinVar aggregate classification (germline): Likely pathogenic. Review status: criteria provided, multiple submitters, no conflicts (2 of 4 stars). 3 submissions from 3 submitters: Likely pathogenic (3). Last evaluated 2025-08-28.

Conditions:
Medium-chain acyl-coenzyme A dehydrogenase deficiency (ACADMD). Also called: ACADM DEFICIENCY; CARNITINE DEFICIENCY SECONDARY TO MEDIUM-CHAIN ACYL-CoA DEHYDROGENASE DEFICIENCY; MCADH DEFICIENCY; MCADD; Medium chain acyl-CoA dehydrogenase deficiency; MCAD Deficiency. Identifiers: Orphanet 42, MedGen C0220710, MONDO:0008721, OMIM 201450.

Submissions (3):

Natera, Inc.
Classification: Likely pathogenic for Medium Chain Acyl-CoA Dehydrogenase Deficiency. Last evaluated: 2025-08-28. Review status: criteria provided, single submitter. Criteria: Natera Variant Classification Schema (03/2026). Collection method: clinical testing. Allele origin: germline.
Comment: The c.1194+2T>G variant in ACADM is a canonical splice donor site variant predicted to affect pre-mRNA splicing, which may result in an abnormal transcript and altered protein product. This variant is expected to result in nonsense mediated decay, truncation, or a dysfunctional protein product. This variant is rare in the general population with a frequency below the threshold expected for the associated phenotype(s). Given the available evidence, this variant is classified as Likely Pathogenic.

Revvity Omics, Revvity
Classification: Likely pathogenic for Medium-chain acyl-coenzyme A dehydrogenase deficiency. Last evaluated: 2022-11-03. Review status: criteria provided, single submitter. Criteria: ACMG Guidelines, 2015. Collection method: clinical testing. Allele origin: germline.

Baylor Genetics
Classification: Likely pathogenic for Medium-chain acyl-coenzyme A dehydrogenase deficiency. Last evaluated: 2022-09-13. Review status: criteria provided, single submitter. Criteria: ACMG Guidelines, 2015. Collection method: clinical testing. Allele origin: unknown.

NM_000016.6(ACADM):c.1194+2T>G

Gene: ACADM (acyl-CoA dehydrogenase medium chain; plus strand). Cytogenetic location: 1p31.1.
Variant type: single nucleotide variant.
Coding change: c.1194+2T>G on transcript NM_000016.6 (MANE Select); the canonical splice donor site of the intron after coding-DNA position 1194, T replaced by G.
Molecular consequence: splice donor variant.
Genome position (GRCh38, 1-based): chr1:75,761,372, T>G. VCF-style: chr1-75761372-T-G. GRCh37 (hg19) VCF-style: chr1-76227057-T-G.
Other names: c.1206+2T>G (NM_001127328.3); c.1293+2T>G (NM_001286043.2); c.1086+2T>G (NM_001286042.2); c.627+2T>G (NM_001286044.2); c.1194+2T>G (NM_000016.5).
Identifiers: ClinVar variation 2439336 (VCV002439336.5), dbSNP rs2525699893, ClinGen allele CA340818376.